The following is an entry in ClinVar:

ClinVar aggregate classification (germline): Likely benign. Review status: criteria provided, multiple submitters, no conflicts (2 of 4 stars). 5 submissions from 5 submitters: Likely benign (5). Last evaluated 2026-08-01.

Conditions:
Regional enteritis. Also called: Enteritis, Granulomatous. Identifiers: MedGen C0678202, MeSH D003424.
Blau syndrome (BLAUS). Also called: ARTHROCUTANEOUVEAL GRANULOMATOSIS; GRANULOMATOSIS, FAMILIAL JUVENILE SYSTEMIC; GRANULOMATOSIS, FAMILIAL, BLAU TYPE; GRANULOMATOUS INFLAMMATORY ARTHRITIS, DERMATITIS, AND UVEITIS, FAMILIAL; JABS SYNDROME. Identifiers: Orphanet 90340, MedGen C5201146, MONDO:0008523, OMIM 186580.
Autoinflammatory syndrome. Identifiers: Orphanet 93665, MedGen C3890737, MONDO:0019751.

Allele frequency attached by ClinVar (database versions not stated): gnomAD 0.00014 and 0.00015; ESP Exome Variant Server 0.00015; 1000 Genomes Project 30x 0.00016; 1000 Genomes Project 0.00020; gnomAD exomes 0.00039 and 0.00009; ExAC 0.00007; TOPMed 0.00011.
gnomAD v4.1: 576 of 1,613,848 alleles (0.036%); highest among the groups gnomAD compares: Non-Finnish European, 0.047%; no homozygotes.

Submissions (5):

CeGaT Center for Human Genetics Tuebingen
Classification: Likely benign. Last evaluated: 2026-08-01. Review status: criteria provided, single submitter. Criteria: CeGaT Center For Human Genetics Tuebingen Variant Classification Criteria Version 2. Collection method: clinical testing. Allele origin: germline. Affected: yes. Observed: 2 variant alleles.
Comment: NOD2: BP4, BP7

Labcorp Genetics (formerly Invitae), Labcorp
Classification: Likely benign for Regional enteritis; Blau syndrome. Last evaluated: 2025-12-26. Review status: criteria provided, single submitter. Criteria: Invitae Variant Classification Sherloc (09022015). Collection method: clinical testing. Allele origin: germline.

ARUP Laboratories, Molecular Genetics and Genomics, ARUP Laboratories
Classification: Likely benign. Last evaluated: 2025-05-13. Review status: criteria provided, single submitter. Criteria: ARUP Molecular Germline Variant Investigation Process 2024. Collection method: clinical testing. Allele origin: germline.

Blueprint Genetics
Classification: Likely benign. Last evaluated: 2024-02-22. Review status: criteria provided, single submitter. Criteria: ACMG Guidelines, 2015. Collection method: clinical testing. Allele origin: germline.

Genome Diagnostics Laboratory, The Hospital for Sick Children
Classification: Likely benign for Autoinflammatory syndrome. Last evaluated: 2021-11-04. Review status: criteria provided, single submitter. Criteria: ACMG Guidelines, 2015. Collection method: clinical testing. Allele origin: germline. Affected: yes.

NM_001370466.1(NOD2):c.1275C>T (p.Ile425=)

Gene: NOD2 (nucleotide binding oligomerization domain containing 2; plus strand). Cytogenetic location: 16q12.1.
Variant type: single nucleotide variant.
Coding change: c.1275C>T on transcript NM_001370466.1 (MANE Select); coding-DNA position 1275, C replaced by T.
Protein change: p.Ile425=; no amino-acid change (isoleucine 425 retained).
Molecular consequence: synonymous variant. On other transcripts: non-coding transcript variant (1).
Genome position (GRCh38, 1-based): chr16:50,711,267, C>T. VCF-style: chr16-50711267-C-T. GRCh37 (hg19) VCF-style: chr16-50745178-C-T.
Other names: c.1275C>T, p.Ile425= (NM_001293557.2); c.1356C>T, p.Ile452= (NM_022162.3).
Identifiers: ClinVar variation 1529045 (VCV001529045.36), dbSNP rs186719861, ClinGen allele CA8051527.